The following is an entry in ClinVar:

ClinVar aggregate classification (germline): Pathogenic (1 of 4 stars; one submission).

Allele frequency attached by ClinVar (database versions not stated): gnomAD 0.00008; 1000 Genomes Project 30x 0.00031; ExAC 0.00001.

Submission:

GeneDx
Classification: Pathogenic. Last evaluated: 2026-09-01. Review status: criteria provided, single submitter. Criteria: GeneDx Variant Classification Process June 2021. Collection method: clinical testing. Allele origin: germline.
Comment: Nonsense variant predicted to result in protein truncation, as the last 1091 amino acids are lost, and other loss-of-function variants have been reported downstream in HGMD; Has not been previously published as pathogenic or benign to our knowledge; This variant is associated with the following publications: (PMID: 16444271)

NM_002016.2(FLG):c.8911A>T (p.Arg2971Ter)

Genes: CCDST (cervical cancer associated DHX9 suppressive transcript; plus strand), FLG (filaggrin; minus strand). Cytogenetic location: 1q21.3.
Variant type: single nucleotide variant.
Coding change: c.8911A>T on transcript NM_002016.2 (MANE Select); coding-DNA position 8911, A replaced by T.
Protein change: p.Arg2971Ter; replaces arginine 2971 with a stop codon.
Molecular consequence: nonsense.
Genome position (GRCh38, 1-based): chr1:152,305,975, T>A on the plus strand (A>T on the coding strand, the complement: FLG is on the minus strand). VCF-style: chr1-152305975-T-A. GRCh37 (hg19) VCF-style: chr1-152278451-T-A.
Other names: short protein forms R2971*.
Identifiers: ClinVar variation 489350 (VCV000489350.9), dbSNP rs757726987, ClinGen allele CA1103966.